The following is an entry in ClinVar:

NM_001375524.1(TRRAP):c.8651C>T (p.Pro2884Leu)

Gene: TRRAP (transformation/transcription domain associated protein; plus strand). Cytogenetic location: 7q22.1.
Variant type: single nucleotide variant.
Coding change: c.8651C>T on transcript NM_001375524.1 (MANE Select); coding-DNA position 8651, C replaced by T.
Protein change: p.Pro2884Leu; replaces proline 2884 with leucine.
Molecular consequence: missense variant.
Genome position (GRCh38, 1-based): chr7:98,981,785, C>T. VCF-style: chr7-98981785-C-T. GRCh37 (hg19) VCF-style: chr7-98579408-C-T.
Other names: c.8630C>T, p.Pro2877Leu (NM_001244580.2); c.8576C>T, p.Pro2859Leu (NM_003496.4); short protein forms P2859L, P2877L, P2884L.
Identifiers: ClinVar variation 2444828 (VCV002444828.1), dbSNP rs1792933415, ClinGen allele CA368310007.
Genomic context (GRCh38, chr7:98,981,785, plus strand): 5'-AAAGAAGGCCCCTCACGTCCTGTGTCACGTTCTTTCACTGCCAGGTGGAAGTGAGCTGTC[C>T]GAAGGAGATGGCCTGGAAGGTGAACATGTACCGCGGATACCTGGCCATCTGCCACCCCGA-3'
Protein context (NP_001362453.1, residues 2874-2894): EALVQVEVSC[Pro2884Leu]KEMAWKVNMY

ClinVar aggregate classification (germline): Uncertain significance (1 of 4 stars; one submission).

gnomAD v4.1: 4 of 1,604,546 alleles (0.00025%); highest among the groups gnomAD compares: South Asian, 0.0023%; no homozygotes.

Submission:

GeneDx
Classification: Uncertain significance. Last evaluated: 2022-09-19. Review status: criteria provided, single submitter. Criteria: GeneDx Variant Classification Process June 2021. Collection method: clinical testing. Allele origin: germline. Affected: yes.
Comment: Not observed at significant frequency in large population cohorts (gnomAD); In silico analysis supports that this missense variant has a deleterious effect on protein structure/function; Has not been previously published as pathogenic or benign to our knowledge